The following is an entry in ClinVar:

NM_001909.5(CTSD):c.28G>T (p.Ala10Ser)

Gene: CTSD (cathepsin D; minus strand). Cytogenetic location: 11p15.5.
Variant type: single nucleotide variant.
Coding change: c.28G>T on transcript NM_001909.5 (MANE Select); coding-DNA position 28, G replaced by T.
Protein change: p.Ala10Ser; replaces alanine 10 with serine.
Molecular consequence: missense variant.
Genome position (GRCh38, 1-based): chr11:1,763,832, C>A on the plus strand (G>T on the coding strand, the complement: CTSD is on the minus strand). VCF-style: chr11-1763832-C-A. GRCh37 (hg19) VCF-style: chr11-1785062-C-A.
Other names: short protein forms A10S.
Identifiers: ClinVar variation 957664 (VCV000957664.9), dbSNP rs1845913637, ClinGen allele CA379100973.
Genomic context (GRCh38, chr11:1,763,832, plus strand): 5'-CCCGGCCCCTGAGGCTTCACCTGACGAGCGCGGAGGCGGGTGCAGCCAGCAGGCAGAGGG[C>A]GAGCGGCAGAAGGCTGGAGGGCTGCATGGCGGCGGCGGCCGGGTCGGAGAGGGTCGCCGA-3'
Protein context (NP_001900.1, residues 1-20): MQPSSLLPL[Ala10Ser]LCLLAAPASA

ClinVar aggregate classification (germline): Uncertain significance. Review status: criteria provided, multiple submitters, no conflicts (2 of 4 stars). 3 submissions from 3 submitters: Uncertain significance (3). Last evaluated 2023-11-03.

Conditions:
Neuronal ceroid lipofuscinosis. Also called: Neuronal Ceroid Lipofuscinoses. Identifiers: Orphanet 216, Orphanet 79263, MedGen C0027877, MONDO:0016295. Disease mechanism: loss of function.

gnomAD v4.1: 1 of 1,527,910 alleles (0.000065%); highest among the groups gnomAD compares: Non-Finnish European, 0.000087%; no homozygotes.

Submissions (3):

Women's Health and Genetics/Laboratory Corporation of America, LabCorp
Classification: Uncertain significance. Last evaluated: 2023-11-03. Review status: criteria provided, single submitter. Criteria: LabCorp Variant Classification Summary - May 2015. Collection method: clinical testing. Allele origin: germline.
Comment: Variant summary: CTSD c.28G>T (p.Ala10Ser) results in a conservative amino acid change in the encoded protein sequence. Five of five in-silico tools predict a benign effect of the variant on protein function. The variant was absent in 124522 control chromosomes. The available data on variant occurrences in the general population are insufficient to allow any conclusion about variant significance. To our knowledge, no occurrence of c.28G>T in individuals affected with Neuronal Ceroid-Lipofuscinosis (Batten Disease) and no experimental evidence demonstrating its impact on protein function have been reported. Two submitters have cited clinical-significance assessments for this variant to ClinVar after 2014. All submitters classified the variant as uncertain significance. Based on the evidence outlined above, the variant was classified as uncertain significance.

Labcorp Genetics (formerly Invitae), Labcorp
Classification: Uncertain significance for Neuronal ceroid lipofuscinosis. Last evaluated: 2022-02-28. Review status: criteria provided, single submitter. Criteria: Invitae Variant Classification Sherloc (09022015). Collection method: clinical testing. Allele origin: germline.
Comment: This sequence change replaces alanine, which is neutral and non-polar, with serine, which is neutral and polar, at codon 10 of the CTSD protein (p.Ala10Ser). This variant is not present in population databases (gnomAD no frequency). This variant has not been reported in the literature in individuals affected with CTSD-related conditions. ClinVar contains an entry for this variant (Variation ID: 957664). Algorithms developed to predict the effect of missense changes on protein structure and function are either unavailable or do not agree on the potential impact of this missense change (SIFT: "Tolerated"; PolyPhen-2: "Not Available"; Align-GVGD: "Class C0"). In summary, the available evidence is currently insufficient to determine the role of this variant in disease. Therefore, it has been classified as a Variant of Uncertain Significance.

GeneDx
Classification: Uncertain significance. Last evaluated: 2019-12-30. Review status: criteria provided, single submitter. Criteria: GeneDx Variant Classification Process June 2021. Collection method: clinical testing. Allele origin: germline. Affected: yes.
Comment: Not observed in large population cohorts (Lek et al., 2016); In silico analysis, which includes protein predictors and evolutionary conservation, supports that this variant does not alter protein structure/function; Has not been previously published as pathogenic or benign to our knowledge